The following is an entry in ClinVar:

ClinVar aggregate classification (germline): Likely pathogenic. Review status: criteria provided, multiple submitters, no conflicts (2 of 4 stars). 2 submissions from 2 submitters: Likely pathogenic (2). Last evaluated 2025-04-28.

Conditions:
COL1A1-related disorder. Also called: COL1A1- related disease; COL1A1-related condition.

Submissions (2):

PreventionGenetics, part of Exact Sciences
Classification: Likely pathogenic for COL1A1-related condition. Last evaluated: 2025-04-28. Review status: criteria provided, single submitter. Criteria: ACMG Guidelines, 2015. Collection method: clinical testing. Allele origin: germline.
Comment: The COL1A1 c.1002+5G>A variant is predicted to interfere with splicing. This variant has been reported in an individual with osteogenesis imperfecta (OI) type III (Table S1, Lin et al. 2023. PubMed ID: 37270749). This variant is predicted to interfere with splicing (SpliceAI, Jaganathan et al. 2019. PMID: 30661751); however, the use of in silico prediction programs is not equivalent to functional evidence. To our knowledge, this variant has not been reported in a large population database (gnomAD), indicating this variant is rare. Of note, a deletion of this nucleotide position (c.1002+5delT) has been reported in an individual with OI (Table S1, Bardai et al. 2016. PubMed ID: 27509835). Further, a different nucleotide substitution (c.1002+5G>T) has also been reported de novo in two unrelated individuals with clinical features of OI (Cao et al. 2022. PubMed ID: 35855989; Table S1, Sałacińska. 2023. PubMed ID: 37810882). Taken together, the c.1002+5G>A variant is classified as likely pathogenic.

GeneDx
Classification: Likely pathogenic. Last evaluated: 2024-08-09. Review status: criteria provided, single submitter. Criteria: GeneDx Variant Classification Process June 2021. Collection method: clinical testing. Allele origin: germline. Affected: yes.
Comment: Reported in an individual from a cohort of patients with osteogenesis imperfecta in published literature (PMID: 37270749); however, patient clinical information not provided; Intronic +5 splice site variant in a gene for which loss of function is a known mechanism of disease, and both splice predictors and evolutionary conservation support a deleterious effect, although in the absence of functional evidence the actual effect of this sequence change is unknown; Not observed at significant frequency in large population cohorts (gnomAD); This variant is associated with the following publications: (PMID: 37270749)

NM_000088.4(COL1A1):c.1002+5G>A

Gene: COL1A1 (collagen type I alpha 1 chain; minus strand). Cytogenetic location: 17q21.33.
Variant type: single nucleotide variant.
Coding change: c.1002+5G>A on transcript NM_000088.4 (MANE Select); 5 bases into the intron after coding-DNA position 1002, G replaced by A.
Molecular consequence: intron variant.
Genome position (GRCh38, 1-based): chr17:50,196,150, C>T on the plus strand (G>A on the coding strand, the complement: COL1A1 is on the minus strand). VCF-style: chr17-50196150-C-T. GRCh37 (hg19) VCF-style: chr17-48273511-C-T.
Identifiers: ClinVar variation 2631638 (VCV002631638.3), dbSNP rs1907566530, ClinGen allele CA2695200282.